The following is an entry in ClinVar:

NM_001395513.1(TMPRSS9):c.747G>A (p.Pro249=)

Gene: TMPRSS9 (transmembrane serine protease 9; plus strand). Cytogenetic location: 19p13.3.
Variant type: single nucleotide variant.
Coding change: c.747G>A on transcript NM_001395513.1 (MANE Select); coding-DNA position 747, G replaced by A.
Protein change: p.Pro249=; no amino-acid change (proline 249 retained).
Molecular consequence: synonymous variant.
Genome position (GRCh38, 1-based): chr19:2,405,450, G>A. VCF-style: chr19-2405450-G-A. GRCh37 (hg19) VCF-style: chr19-2405448-G-A.
Other names: c.51G>A, p.Pro17= (NM_001385642.1); c.645G>A, p.Pro215= (NM_182973.3).
Identifiers: ClinVar variation 2648972 (VCV002648972.24), dbSNP rs149559028, ClinGen allele CA9066008.

ClinVar aggregate classification (germline): Likely benign (1 of 4 stars; one submission).

Allele frequency attached by ClinVar (database versions not stated): TOPMed 0.00029; 1000 Genomes Project 30x 0.00031; ESP Exome Variant Server 0.00031; gnomAD 0.00033; 1000 Genomes Project 0.00040.
gnomAD v4.1: 565 of 1,607,856 alleles (0.035%); highest among the groups gnomAD compares: Non-Finnish European, 0.043%; no homozygotes.

Submission:

CeGaT Center for Human Genetics Tuebingen
Classification: Likely benign. Last evaluated: 2023-02-01. Review status: criteria provided, single submitter. Criteria: CeGaT Center For Human Genetics Tuebingen Variant Classification Criteria Version 2. Collection method: clinical testing. Allele origin: germline. Affected: yes. Observed: 1 variant allele.
Comment: TMPRSS9: BP4, BP7